The following is an entry in ClinVar:

NM_000053.4(ATP7B):c.832A>G (p.Asn278Asp)

Gene: ATP7B (ATPase copper transporting beta; minus strand). Cytogenetic location: 13q14.3.
Variant type: single nucleotide variant.
Coding change: c.832A>G on transcript NM_000053.4 (MANE Select); coding-DNA position 832, A replaced by G.
Protein change: p.Asn278Asp; replaces asparagine 278 with aspartic acid.
Molecular consequence: missense variant. On other transcripts: intron variant (2).
Genome position (GRCh38, 1-based): chr13:51,974,388, T>C on the plus strand (A>G on the coding strand, the complement: ATP7B is on the minus strand). VCF-style: chr13-51974388-T-C. GRCh37 (hg19) VCF-style: chr13-52548524-T-C.
Other names: c.832A>G, p.Asn278Asp (NM_001406537.1, NM_001406538.1, NM_001406540.1 and 29 more transcripts); c.736A>G, p.Asn246Asp (NM_001406543.1, NM_001406544.1, NM_001406530.1 and 3 more transcripts); c.802+30A>G (NM_001243182.2); c.706+30A>G (NM_001406539.1); short protein forms N246D, N278D.
Identifiers: ClinVar variation 3073817 (VCV003073817.2), dbSNP rs772217511, ClinGen allele CA6989491.

ClinVar aggregate classification (germline): Uncertain significance. Review status: criteria provided, multiple submitters, no conflicts (2 of 4 stars). 2 submissions from 2 submitters: Uncertain significance (2). Last evaluated 2023-10-06.

Conditions:
Wilson disease (WND). Also called: Wilson's disease. Identifiers: Orphanet 905, MedGen C0019202, MONDO:0010200, OMIM 277900. Disease mechanism: loss of function.

Allele frequency attached by ClinVar (database versions not stated): gnomAD exomes below 0.00001; TOPMed 0.00001; ExAC 0.00002; gnomAD 0.00002.
gnomAD v4.1: 6 of 1,613,874 alleles (0.00037%); highest among the groups gnomAD compares: African/African-American, 0.0053%; no homozygotes.

Submissions (2):

All of Us Research Program, National Institutes of Health
Classification: Uncertain significance for Wilson disease. Last evaluated: 2023-10-06. Review status: criteria provided, single submitter. Criteria: ACMG Guidelines, 2015. Collection method: clinical testing. Allele origin: germline. Inheritance: Autosomal recessive inheritance. Observed: 1 variant allele, 1 heterozygote.
Comment: This missense variant replaces asparagine with aspartic acid at codon 278 of the ATP7B protein. Computational prediction suggests that this variant may not impact protein structure and function (internally defined REVEL score threshold <= 0.5, PMID: 27666373). To our knowledge, functional studies have not been reported for this variant. This variant has not been reported in individuals affected with ATP7B-related disorders in the literature. This variant has been identified in 4/279294 chromosomes in the general population by the Genome Aggregation Database (gnomAD). The available evidence is insufficient to determine the role of this variant in disease conclusively. Therefore, this variant is classified as a Variant of Uncertain Significance.

This study involves interpretation of variants in research participants for the purpose of population health screening. Participant phenotype was not available at the time of variant classification. Additional details can be found in publication PMID: 35346344, PMCID: PMC8962531

Color Diagnostics, LLC DBA Color Health
Classification: Uncertain significance for Wilson disease. Last evaluated: 2023-09-20. Review status: criteria provided, single submitter. Criteria: ACMG Guidelines, 2015. Collection method: clinical testing. Allele origin: germline.
Comment: This missense variant replaces asparagine with aspartic acid at codon 278 of the ATP7B protein. Computational prediction suggests that this variant may not impact protein structure and function. To our knowledge, functional studies have not been reported for this variant. This variant has not been reported in individuals affected with ATP7B-related disorders in the literature. This variant has been identified in 4/279294 chromosomes in the general population by the Genome Aggregation Database (gnomAD). The available evidence is insufficient to determine the role of this variant in disease conclusively. Therefore, this variant is classified as a Variant of Uncertain Significance.